The following is an entry in ClinVar:

NM_001854.4(COL11A1):c.5029A>G (p.Arg1677Gly)

Gene: COL11A1 (collagen type XI alpha 1 chain; minus strand). Cytogenetic location: 1p21.1.
Variant type: single nucleotide variant.
Coding change: c.5029A>G on transcript NM_001854.4 (MANE Select); coding-DNA position 5029, A replaced by G.
Protein change: p.Arg1677Gly; replaces arginine 1677 with glycine.
Molecular consequence: missense variant. On other transcripts: non-coding transcript variant (1).
Genome position (GRCh38, 1-based): chr1:102,881,708, T>C on the plus strand (A>G on the coding strand, the complement: COL11A1 is on the minus strand). VCF-style: chr1-102881708-T-C. GRCh37 (hg19) VCF-style: chr1-103347264-T-C.
Other names: c.4681A>G, p.Arg1561Gly (NM_001168249.1, NM_080630.4); c.4912A>G, p.Arg1638Gly (NM_001190709.2); c.5065A>G, p.Arg1689Gly (NM_080629.3); short protein forms R1561G, R1638G, R1677G, R1689G.
Identifiers: ClinVar variation 1810297 (VCV001810297.8), dbSNP rs2101017720, ClinGen allele CA341211277.

ClinVar aggregate classification (germline): Uncertain significance (1 of 4 stars; one submission).

Conditions:
Stickler syndrome type 2 (STL2). Also called: STICKLER SYNDROME, BEADED VITREOUS TYPE; STICKLER SYNDROME, VITREOUS TYPE 2; COL11A1-Related Stickler Syndrome; STICKLER SYNDROME, TYPE II. Identifiers: Orphanet 828, Orphanet 90654, MedGen C1858084, MONDO:0011493, OMIM 604841.
Marshall syndrome (MRSHS). Identifiers: Orphanet 560, MedGen C0265235, MONDO:0007949, OMIM 154780.
Fibrochondrogenesis 1 (FBCG1). Identifiers: Orphanet 2021, MedGen C3278138, MONDO:0009226, OMIM 228520.

Submission:

Labcorp Genetics (formerly Invitae), Labcorp
Classification: Uncertain significance. Last evaluated: 2025-07-31. Review status: criteria provided, single submitter. Criteria: Invitae Variant Classification Sherloc (09022015). Collection method: clinical testing. Allele origin: germline.
Comment: This sequence change replaces arginine, which is basic and polar, with glycine, which is neutral and non-polar, at codon 1677 of the COL11A1 protein (p.Arg1677Gly). This variant is not present in population databases (gnomAD no frequency). This variant has not been reported in the literature in individuals affected with COL11A1-related conditions. ClinVar contains an entry for this variant (Variation ID: 1810297). Invitae Evidence Modeling of protein sequence and biophysical properties (such as structural, functional, and spatial information, amino acid conservation, physicochemical variation, residue mobility, and thermodynamic stability) indicates that this missense variant is not expected to disrupt COL11A1 protein function with a negative predictive value of 80%. In summary, the available evidence is currently insufficient to determine the role of this variant in disease. Therefore, it has been classified as a Variant of Uncertain Significance.